The following is an entry in ClinVar:

ClinVar aggregate classification (germline): Pathogenic/Likely pathogenic. Review status: criteria provided, multiple submitters, no conflicts (2 of 4 stars). 2 submissions from 2 submitters: Pathogenic (1); Likely pathogenic (1). Last evaluated 2019-05-13.

Conditions:
X-linked Alport syndrome (ATS1). Also called: NEPHROPATHY AND DEAFNESS, X-LINKED; COL4A5-Related Nephropathy. Identifiers: Orphanet 63, Orphanet 88917, MedGen C4746986, MONDO:0010520, OMIM 301050.

Submissions (2):

Labcorp Genetics (formerly Invitae), Labcorp
Classification: Pathogenic. Last evaluated: 2019-05-13. Review status: criteria provided, single submitter. Criteria: Invitae Variant Classification Sherloc (09022015). Collection method: clinical testing. Allele origin: germline.
Comment: For these reasons, this variant has been classified as Pathogenic. Loss-of-function variants in COL4A5 are known to be pathogenic (PMID: 9195222, 10752524, 14514738, 24854265, 26809805). This variant has not been reported in the literature in individuals with COL4A5-related conditions. This variant is not present in population databases (ExAC no frequency). This sequence change creates a premature translational stop signal (p.Asp1534Thrfs*14) in the COL4A5 gene. It is expected to result in an absent or disrupted protein product.

ARUP Laboratories, Molecular Genetics and Genomics, ARUP Laboratories
Classification: Likely pathogenic for X-linked Alport syndrome. Last evaluated: 2019-01-09. Review status: criteria provided, single submitter. Criteria: ARUP Molecular Germline Variant Investigation Process. Collection method: clinical testing. Allele origin: germline.
Comment: The COL4A5 c.4600delG; p.Asp1534fs variant, to our knowledge, is not reported in the medical literature or gene specific databases. This variant is also absent from general population databases (1000 Genomes Project, Exome Variant Server, and Genome Aggregation Database), indicating it is not a common polymorphism. This variant causes a frameshift by deleting a single nucleotide, so it is predicted to result in a truncated protein or mRNA subject to nonsense-mediated decay. Based on available information, the p.Asp1534fs variant is considered to be likely pathogenic.

Literature cited by the submitters: PubMed 9195222 (cited by Labcorp Genetics (formerly Invitae), Labcorp); PubMed 10752524 (cited by Labcorp Genetics (formerly Invitae), Labcorp); PubMed 14514738 (cited by Labcorp Genetics (formerly Invitae), Labcorp); PubMed 24854265 (cited by Labcorp Genetics (formerly Invitae), Labcorp); PubMed 26809805 (cited by Labcorp Genetics (formerly Invitae), Labcorp).

NM_033380.3(COL4A5):c.4618del (p.Asp1540fs)

Gene: COL4A5 (collagen type IV alpha 5 chain; plus strand). Cytogenetic location: Xq22.3.
Variant type: Deletion.
Coding change: c.4618del on transcript NM_033380.3 (MANE Select); coding-DNA position 4618, one base deleted (G; older notation c.4618delG).
Protein change: p.Asp1540fs; shifts the reading frame from aspartic acid 1540.
Molecular consequence: frameshift variant.
Genome position (GRCh38, 1-based): chrX:108,692,837, G deleted. VCF-style (leftmost placement, unchanged base first): chrX-108692836-TG-T. GRCh37 (hg19) VCF-style: chrX-107936066-TG-T.
Other names: c.4600del, p.Asp1534fs (NM_000495.5); short protein forms D1534fs, D1540fs.
Identifiers: ClinVar variation 811258 (VCV000811258.15), dbSNP rs1603326561, ClinGen allele CA915951314.